The following is an entry in ClinVar:

NM_152383.5(DIS3L2):c.1159G>A (p.Ala387Thr)

Gene: DIS3L2 (DIS3 like 3'-5' exoribonuclease 2; plus strand). Cytogenetic location: 2q37.1.
Variant type: single nucleotide variant.
Coding change: c.1159G>A on transcript NM_152383.5 (MANE Select); coding-DNA position 1159, G replaced by A.
Protein change: p.Ala387Thr; replaces alanine 387 with threonine.
Molecular consequence: missense variant. On other transcripts: non-coding transcript variant (2).
Genome position (GRCh38, 1-based): chr2:232,210,360, G>A. VCF-style: chr2-232210360-G-A. GRCh37 (hg19) VCF-style: chr2-233075070-G-A.
Other names: c.1159G>A, p.Ala387Thr (NM_001257281.2); short protein forms A387T.
Identifiers: ClinVar variation 646787 (VCV000646787.9), dbSNP rs760452178, ClinGen allele CA351154044.
Genomic context (GRCh38, chr2:232,210,360, plus strand): 5'-CTAATTGTTTCTTCACTCTTTCCTAGAAAAGACTGTATCTTCACCATTGACCCATCAACC[G>A]CCCGAGACCTCGATGATGCCCTCTCCTGCAAGCCACTCGCTGACGGTAGGATGGAAATTT-3'
Protein context (NP_689596.4, residues 377-397): DCIFTIDPST[Ala387Thr]RDLDDALSCK

ClinVar aggregate classification (germline): Uncertain significance. Review status: criteria provided, multiple submitters, no conflicts (2 of 4 stars). 2 submissions from 2 submitters: Uncertain significance (2). Last evaluated 2025-12-24.

Conditions:
Inborn genetic diseases. Identifiers: MedGen C0950123, MeSH D030342.
Perlman syndrome (PRLMNS). Identifiers: Orphanet 2849, MedGen C0796113, MONDO:0009965, OMIM 267000.

Allele frequency attached by ClinVar (database versions not stated): gnomAD 0.00001; TOPMed 0.00002.
gnomAD v4.1: 18 of 1,613,348 alleles (0.0011%); highest among the groups gnomAD compares: East Asian, 0.0067%; no homozygotes.

Submissions (2):

Labcorp Genetics (formerly Invitae), Labcorp
Classification: Uncertain significance for Perlman syndrome. Last evaluated: 2025-12-24. Review status: criteria provided, single submitter. Criteria: Invitae Variant Classification Sherloc (09022015). Collection method: clinical testing. Allele origin: germline.
Comment: This sequence change replaces alanine, which is neutral and non-polar, with threonine, which is neutral and polar, at codon 387 of the DIS3L2 protein (p.Ala387Thr). This variant is present in population databases (no rsID available, gnomAD 0.006%). This variant has not been reported in the literature in individuals affected with DIS3L2-related conditions. ClinVar contains an entry for this variant (Variation ID: 646787). Invitae Evidence Modeling of protein sequence and biophysical properties (such as structural, functional, and spatial information, amino acid conservation, physicochemical variation, residue mobility, and thermodynamic stability) indicates that this missense variant is not expected to disrupt DIS3L2 protein function with a negative predictive value of 80%. In summary, the available evidence is currently insufficient to determine the role of this variant in disease. Therefore, it has been classified as a Variant of Uncertain Significance.

Ambry Genetics
Classification: Uncertain significance for Inborn genetic diseases. Last evaluated: 2021-10-12. Review status: criteria provided, single submitter. Criteria: Ambry Variant Classification Scheme 2023. Collection method: clinical testing. Allele origin: germline.